The following is an entry in ClinVar:

NM_006361.6(HOXB13):c.633C>G (p.Cys211Trp)

Gene: HOXB13 (homeobox B13; minus strand). Cytogenetic location: 17q21.32.
Variant type: single nucleotide variant.
Coding change: c.633C>G on transcript NM_006361.6 (MANE Select); coding-DNA position 633, C replaced by G.
Protein change: p.Cys211Trp; replaces cysteine 211 with tryptophan.
Molecular consequence: missense variant.
Genome position (GRCh38, 1-based): chr17:48,727,012, G>C on the plus strand (C>G on the coding strand, the complement: HOXB13 is on the minus strand). VCF-style: chr17-48727012-G-C. GRCh37 (hg19) VCF-style: chr17-46804374-G-C.
Other names: short protein forms C211W.
Identifiers: ClinVar variation 1995984 (VCV001995984.4), dbSNP rs760440566, ClinGen allele CA400106971.

ClinVar aggregate classification (germline): Uncertain significance (1 of 4 stars; one submission).

Submission:

Labcorp Genetics (formerly Invitae), Labcorp
Classification: Uncertain significance. Last evaluated: 2022-05-18. Review status: criteria provided, single submitter. Criteria: Invitae Variant Classification Sherloc (09022015). Collection method: clinical testing. Allele origin: germline.
Comment: This sequence change replaces cysteine, which is neutral and slightly polar, with tryptophan, which is neutral and slightly polar, at codon 211 of the HOXB13 protein (p.Cys211Trp). This variant is not present in population databases (gnomAD no frequency). This variant has not been reported in the literature in individuals affected with HOXB13-related conditions. Algorithms developed to predict the effect of missense changes on protein structure and function are either unavailable or do not agree on the potential impact of this missense change (SIFT: "Tolerated"; PolyPhen-2: "Possibly Damaging"; Align-GVGD: "Class C0"). In summary, the available evidence is currently insufficient to determine the role of this variant in disease. Therefore, it has been classified as a Variant of Uncertain Significance.